The following is an entry in ClinVar:

ClinVar aggregate classification (germline): Benign. Review status: criteria provided, multiple submitters, no conflicts (2 of 4 stars). 10 submissions from 10 submitters: Benign (6). 4 of the submissions do not count toward it. Last evaluated 2025-07-31.

Conditions:
Rotor syndrome (HBLRR). Also called: HYPERBILIRUBINEMIA, ROTOR TYPE, DIGENIC; HYPERBILIRUBINEMIA, ROTOR TYPE. Identifiers: Orphanet 3111, MedGen C0220991, MONDO:0009379, OMIM 237450.
Gilbert syndrome. Also called: HYPERBILIRUBINEMIA, GILBERT TYPE; Gilbert Disease; HYPERBILIRUBINEMIA I; HYPERBILIRUBINEMIA, ARIAS TYPE; Gilbert's syndrome. Identifiers: MedGen C0017551, MONDO:0007745, OMIM 143500.

Allele frequency attached by ClinVar (database versions not stated): gnomAD exomes 0.47371; ExAC 0.47949; ESP Exome Variant Server 0.52630; gnomAD 0.53152 and 0.53370; TOPMed 0.54399; 1000 Genomes Project 30x 0.62149; 1000 Genomes Project 0.62240.
gnomAD v4.1: 629,482 of 1,504,300 alleles (42%); highest among the groups gnomAD compares: African/African-American, 77%; 143,945 homozygotes.

Submissions (10):

ARUP Laboratories, Molecular Genetics and Genomics, ARUP Laboratories
Classification: Benign for Rotor syndrome. Last evaluated: 2025-07-31. Review status: criteria provided, single submitter. Criteria: ARUP Molecular Germline Variant Investigation Process 2024. Collection method: clinical testing. Allele origin: germline.

Genome-Nilou Lab
Classification: Benign for Rotor syndrome. Last evaluated: 2021-07-15. Review status: criteria provided, single submitter. Criteria: ACMG Guidelines, 2015. Collection method: clinical testing. Allele origin: germline. Affected: no.

GeneDx
Classification: Benign. Last evaluated: 2018-03-13. Review status: criteria provided, single submitter. Criteria: GeneDx Variant Classification (06012015). Collection method: clinical testing. Allele origin: germline. Affected: yes.
Comment: This variant is considered likely benign or benign based on one or more of the following criteria: it is a conservative change, it occurs at a poorly conserved position in the protein, it is predicted to be benign by multiple in silico algorithms, and/or has population frequency not consistent with disease.

Illumina Laboratory Services, Illumina
Classification: Benign for Rotor syndrome. Last evaluated: 2018-03-06. Review status: criteria provided, single submitter. Criteria: ICSL Variant Classification Criteria 13 December 2019. Collection method: clinical testing. Allele origin: germline.
Comment: This variant was observed in the ICSL laboratory as part of a predisposition screen in an ostensibly healthy population. It had not been previously curated by ICSL or reported in the Human Gene Mutation Database (HGMD: prior to June 1st, 2018), and was therefore a candidate for classification through an automated scoring system. Utilizing variant allele frequency, disease prevalence and penetrance estimates, and inheritance mode, an automated score was calculated to assess if this variant is too frequent to cause the disease. Based on the score and internal cut-off values, a variant classified as benign is not then subjected to further curation. The score for this variant resulted in a classification of benign for this disease.

Breakthrough Genomics
Classification: Benign. Review status: criteria provided, single submitter. Criteria: ACMG Guidelines, 2015. Collection method: not provided. Allele origin: germline. Inheritance: Autosomal recessive inheritance. Affected: yes.

PreventionGenetics, part of Exact Sciences
Classification: Benign. Review status: criteria provided, single submitter. Criteria: ACMG Guidelines, 2015. Collection method: clinical testing. Allele origin: germline.

Difficult and Complicated Liver Diseases and Artificial Liver Center, Beijing You An Hospital, Capital Medical University
Classification: Benign for Gilbert syndrome. Last evaluated: 2019-05-01. Review status: no assertion criteria provided. Collection method: case-control. Allele origin: inherited. Affected: yes. Observed: 283 variant alleles. Not counted in ClinVar's aggregate classification.

Clinical Genetics, Academic Medical Center
Classification: Benign. Review status: no assertion criteria provided. Collection method: clinical testing. Allele origin: germline. Affected: yes. Study: VKGL Data-share Consensus. Not counted in ClinVar's aggregate classification.

Diagnostic Laboratory, Department of Genetics, University Medical Center Groningen
Classification: Benign for Rotor syndrome. Review status: no assertion criteria provided. Collection method: clinical testing. Allele origin: germline. Affected: yes. Study: VKGL Data-share Consensus. Not counted in ClinVar's aggregate classification.

Joint Genome Diagnostic Labs from Nijmegen and Maastricht, Radboudumc and MUMC+
Classification: Benign. Review status: no assertion criteria provided. Collection method: clinical testing. Allele origin: germline. Affected: yes. Study: VKGL Data-share Consensus. Not counted in ClinVar's aggregate classification.

NM_006446.5(SLCO1B1):c.388A>G (p.Asn130Asp)

Gene: SLCO1B1 (solute carrier organic anion transporter family member 1B1; plus strand). Cytogenetic location: 12p12.1.
Variant type: single nucleotide variant.
Coding change: c.388A>G on transcript NM_006446.5 (MANE Select); coding-DNA position 388, A replaced by G.
Protein change: p.Asn130Asp; replaces asparagine 130 with aspartic acid.
Molecular consequence: missense variant.
Genome position (GRCh38, 1-based): chr12:21,176,804, A>G. VCF-style: chr12-21176804-A-G. GRCh37 (hg19) VCF-style: chr12-21329738-A-G.
Other names: c.388A>G (LRG_1022t1); short protein forms N130D.
Identifiers: ClinVar variation 259983 (VCV000259983.32), dbSNP rs2306283, ClinGen allele CA6476674.